The following is an entry in ClinVar:

NM_032444.4(SLX4):c.374T>C (p.Val125Ala)

Gene: SLX4 (SLX4 structure-specific endonuclease subunit; minus strand). Cytogenetic location: 16p13.3.
Variant type: single nucleotide variant.
Coding change: c.374T>C on transcript NM_032444.4 (MANE Select); coding-DNA position 374, T replaced by C.
Protein change: p.Val125Ala; replaces valine 125 with alanine.
Molecular consequence: missense variant.
Genome position (GRCh38, 1-based): chr16:3,608,591, A>G on the plus strand (T>C on the coding strand, the complement: SLX4 is on the minus strand). VCF-style: chr16-3608591-A-G. GRCh37 (hg19) VCF-style: chr16-3658592-A-G.
Other names: short protein forms V125A.
Identifiers: ClinVar variation 1898692 (VCV001898692.5), dbSNP rs749162651, ClinGen allele CA7866895.

ClinVar aggregate classification (germline): Conflicting classifications of pathogenicity. Review status: criteria provided, conflicting classifications (1 of 4 stars). 2 submissions from 2 submitters: Uncertain significance (1); Likely benign (1). Last evaluated 2025-03-20.

Conditions:
Fanconi anemia (FA). Also called: Fanconi's anemia. Identifiers: Orphanet 84, MedGen C0015625, MeSH D005199, MONDO:0019391.

Allele frequency attached by ClinVar (database versions not stated): ExAC 0.00001; gnomAD exomes 0.00002.
gnomAD v4.1: 33 of 1,613,870 alleles (0.002%); highest among the groups gnomAD compares: Non-Finnish European, 0.0025%; no homozygotes.

Submissions (2):

Labcorp Genetics (formerly Invitae), Labcorp
Classification: Uncertain significance for Fanconi anemia. Last evaluated: 2025-03-20. Review status: criteria provided, single submitter. Criteria: Invitae Variant Classification Sherloc (09022015). Collection method: clinical testing. Allele origin: germline.
Comment: This sequence change replaces valine, which is neutral and non-polar, with alanine, which is neutral and non-polar, at codon 125 of the SLX4 protein (p.Val125Ala). This variant is present in population databases (rs749162651, gnomAD 0.002%). This variant has not been reported in the literature in individuals affected with SLX4-related conditions. ClinVar contains an entry for this variant (Variation ID: 1898692). An algorithm developed to predict the effect of missense changes on protein structure and function outputs the following: PolyPhen-2: "Benign". The alanine amino acid residue is found in multiple mammalian species, which suggests that this missense change does not adversely affect protein function. In summary, the available evidence is currently insufficient to determine the role of this variant in disease. Therefore, it has been classified as a Variant of Uncertain Significance.

Blueprint Genetics
Classification: Likely benign. Last evaluated: 2022-06-22. Review status: criteria provided, single submitter. Criteria: ACMG Guidelines, 2015. Collection method: clinical testing. Allele origin: germline.